The following is an entry in ClinVar:

NM_001035.3(RYR2):c.13260+14_13260+15delinsGG

Genes: RYR2 (ryanodine receptor 2; plus strand), LOC126806068 (BRD4-independent group 4 enhancer GRCh37_chr1:237947411-237948610; plus strand). Cytogenetic location: 1q43.
Variant type: Indel.
Coding change: c.13260+14_13260+15delinsGG on transcript NM_001035.3 (MANE Select); bases 14 to 15 of the intron after coding-DNA position 13260, AA replaced by GG.
Molecular consequence: intron variant.
Genome position (GRCh38, 1-based): chr1:237,784,986-237,784,987, AA replaced by GG. VCF-style: chr1-237784986-AA-GG. GRCh37 (hg19) VCF-style: chr1-237948286-AA-GG.
Identifiers: ClinVar variation 2829419 (VCV002829419.3), dbSNP rs2527802878, ClinGen allele CA2739274081.
Genomic context (GRCh38, chr1:237,784,986, plus strand): 5'-TCATGAGCAACCCAGTCCCCATGCCTGAGGTGCAGGAAAAATTTCAGGTAATTTATCTCT[AA>GG]GTCACAGCAGCATTCTCTCTGGACTTCAGGTGGGTATAATAAATGATCATTAGACCAGGT-3'

ClinVar aggregate classification (germline): Uncertain significance (1 of 4 stars; one submission).

Conditions:
Catecholaminergic polymorphic ventricular tachycardia 1. Also called: VENTRICULAR TACHYCARDIA, CATECHOLAMINERGIC POLYMORPHIC, 1, WITH OR WITHOUT ATRIAL DYSFUNCTION AND/OR DILATED CARDIOMYOPATHY; VENTRICULAR TACHYCARDIA, STRESS-INDUCED POLYMORPHIC 1; RYR2-Related Catecholaminergic Polymorphic Ventricular Tachycardia. Identifiers: Orphanet 3286, MedGen C1631597, MONDO:0011484, OMIM 604772.

Submission:

Labcorp Genetics (formerly Invitae), Labcorp
Classification: Uncertain significance for Catecholaminergic polymorphic ventricular tachycardia 1. Last evaluated: 2025-12-08. Review status: criteria provided, single submitter. Criteria: Invitae Variant Classification Sherloc (09022015). Collection method: clinical testing. Allele origin: germline.
Comment: This sequence change falls in intron 90 of the RYR2 gene. It does not directly change the encoded amino acid sequence of the RYR2 protein. Information on the frequency of this variant in the gnomAD database is not available, as this variant may be reported differently in the database. This variant has not been reported in the literature in individuals affected with RYR2-related conditions. ClinVar contains an entry for this variant (Variation ID: 2829419). Experimental studies and prediction algorithms are not available or were not evaluated, and the effect of this variant on mRNA splicing is currently unknown. In summary, the available evidence is currently insufficient to determine the role of this variant in disease. Therefore, it has been classified as a Variant of Uncertain Significance.